The following is an entry in ClinVar:

NM_005732.4(RAD50):c.1595C>A (p.Thr532Lys)

Gene: RAD50 (RAD50 double strand break repair protein; plus strand). Cytogenetic location: 5q31.1.
Variant type: single nucleotide variant.
Coding change: c.1595C>A on transcript NM_005732.4 (MANE Select); coding-DNA position 1595, C replaced by A.
Protein change: p.Thr532Lys; replaces threonine 532 with lysine.
Molecular consequence: missense variant.
Genome position (GRCh38, 1-based): chr5:132,591,366, C>A. VCF-style: chr5-132591366-C-A. GRCh37 (hg19) VCF-style: chr5-131927058-C-A.
Other names: short protein forms T532K.
Identifiers: ClinVar variation 819616 (VCV000819616.15), dbSNP rs768816602, ClinGen allele CA3405202.

ClinVar aggregate classification (germline): Uncertain significance. Review status: criteria provided, multiple submitters, no conflicts (2 of 4 stars). 2 submissions from 2 submitters: Uncertain significance (2). Last evaluated 2025-08-31.

Conditions:
Hereditary cancer-predisposing syndrome. Also called: Neoplastic Syndromes, Hereditary; Tumor predisposition; Hereditary Cancer Syndrome; Hereditary neoplastic syndrome. Identifiers: Orphanet 140162, MedGen C0027672, MeSH D009386, MONDO:0015356.

Allele frequency attached by ClinVar (database versions not stated): gnomAD exomes below 0.00001; ExAC 0.00001.
gnomAD v4.1: 4 of 1,613,902 alleles (0.00025%); highest among the groups gnomAD compares: Non-Finnish European, 0.00034%; no homozygotes.

Submissions (2):

Ambry Genetics
Classification: Uncertain significance for Hereditary cancer-predisposing syndrome. Last evaluated: 2025-08-31. Review status: criteria provided, single submitter. Criteria: Ambry Variant Classification Scheme 2023. Collection method: clinical testing. Allele origin: germline.
Comment: The p.T532K variant (also known as c.1595C>A), located in coding exon 10 of the RAD50 gene, results from a C to A substitution at nucleotide position 1595. The threonine at codon 532 is replaced by lysine, an amino acid with similar properties. This amino acid position is highly conserved in available vertebrate species. In addition, the in silico prediction for this alteration is inconclusive. Since supporting evidence is limited at this time, the clinical significance of this alteration remains unclear.

Labcorp Genetics (formerly Invitae), Labcorp
Classification: Uncertain significance for Hereditary cancer-predisposing syndrome. Last evaluated: 2025-07-31. Review status: criteria provided, single submitter. Criteria: Invitae Variant Classification Sherloc (09022015). Collection method: clinical testing. Allele origin: germline.
Comment: This sequence change replaces threonine, which is neutral and polar, with lysine, which is basic and polar, at codon 532 of the RAD50 protein (p.Thr532Lys). This variant is present in population databases (rs768816602, gnomAD 0.0009%). This variant has not been reported in the literature in individuals affected with RAD50-related conditions. ClinVar contains an entry for this variant (Variation ID: 819616). Invitae Evidence Modeling of protein sequence and biophysical properties (such as structural, functional, and spatial information, amino acid conservation, physicochemical variation, residue mobility, and thermodynamic stability) indicates that this missense variant is expected to disrupt RAD50 protein function with a positive predictive value of 80%. In summary, the available evidence is currently insufficient to determine the role of this variant in disease. Therefore, it has been classified as a Variant of Uncertain Significance.